The following is an entry in ClinVar:

ClinVar aggregate classification (germline): Uncertain significance (1 of 4 stars; one submission).

Conditions:
PGM1-congenital disorder of glycosylation. Also called: CDG It; Congenital disorder of glycosylation type 1t; PHOSPHOGLUCOMUTASE 1 DEFICIENCY; PGM1 DEFICIENCY; GLYCOGEN STORAGE DISEASE XIV; GSD XIV. Identifiers: Orphanet 319646, MedGen C2752015, MONDO:0013968, OMIM 614921.

Allele frequency attached by ClinVar (database versions not stated): gnomAD 0.00003; ExAC 0.00010; 1000 Genomes Project 0.00040; 1000 Genomes Project 30x 0.00047.
gnomAD v4.1: 29 of 1,605,444 alleles (0.0018%); highest among the groups gnomAD compares: South Asian, 0.028%; 1 homozygote.

Submission:

Labcorp Genetics (formerly Invitae), Labcorp
Classification: Uncertain significance for PGM1-congenital disorder of glycosylation. Last evaluated: 2022-11-28. Review status: criteria provided, single submitter. Criteria: Invitae Variant Classification Sherloc (09022015). Collection method: clinical testing. Allele origin: germline.
Comment: In summary, the available evidence is currently insufficient to determine the role of this variant in disease. Therefore, it has been classified as a Variant of Uncertain Significance. Advanced modeling of protein sequence and biophysical properties (such as structural, functional, and spatial information, amino acid conservation, physicochemical variation, residue mobility, and thermodynamic stability) performed at Invitae indicates that this missense variant is not expected to disrupt PGM1 protein function. This sequence change replaces methionine, which is neutral and non-polar, with valine, which is neutral and non-polar, at codon 67 of the PGM1 protein (p.Met67Val). This variant is present in population databases (rs561236041, gnomAD 0.03%). This variant has not been reported in the literature in individuals affected with PGM1-related conditions. ClinVar contains an entry for this variant (Variation ID: 1385170).

NM_002633.3(PGM1):c.199A>G (p.Met67Val)

Genes: PGM1 (phosphoglucomutase 1; plus strand), LOC129930668 (ATAC-STARR-seq lymphoblastoid active region 1127; plus strand). Cytogenetic location: 1p31.3.
Variant type: single nucleotide variant.
Coding change: c.199A>G on transcript NM_002633.3 (MANE Select); coding-DNA position 199, A replaced by G.
Protein change: p.Met67Val; replaces methionine 67 with valine.
Molecular consequence: missense variant.
Genome position (GRCh38, 1-based): chr1:63,593,687, A>G. VCF-style: chr1-63593687-A-G. GRCh37 (hg19) VCF-style: chr1-64059358-A-G.
Other names: short protein forms M67V.
Identifiers: ClinVar variation 1385170 (VCV001385170.5), dbSNP rs561236041, ClinGen allele CA889384.